The following is an entry in ClinVar:

ClinVar aggregate classification (germline): Likely benign (1 of 4 stars; one submission).

Conditions:
Congenital generalized lipodystrophy type 1 (CGL1). Also called: BRUNZELL SYNDROME, AGPAT2-RELATED; Berardinelli-Seip Congenital Lipodystrophy Type 1. Identifiers: Orphanet 528, Orphanet 696189, MedGen C1720862, MONDO:0012071, OMIM 608594.

Allele frequency attached by ClinVar (database versions not stated): 1000 Genomes Project 30x 0.00047; 1000 Genomes Project 0.00060; gnomAD exomes 0.00084.

Submission:

Illumina Laboratory Services, Illumina
Classification: Likely benign for Congenital generalized lipodystrophy type 1. Last evaluated: 2018-01-13. Review status: criteria provided, single submitter. Criteria: ICSL Variant Classification Criteria 13 December 2019. Collection method: clinical testing. Allele origin: germline.
Comment: This variant was observed in the ICSL laboratory as part of a predisposition screen in an ostensibly healthy population. It had not been previously curated by ICSL or reported in the Human Gene Mutation Database (HGMD: prior to June 1st, 2018), and was therefore a candidate for classification through an automated scoring system. Utilizing variant allele frequency, disease prevalence and penetrance estimates, and inheritance mode, an automated score was calculated to assess if this variant is too frequent to cause the disease. Based on the score and internal cut-off values, a variant classified as likely benign is not then subjected to further curation. The score for this variant resulted in a classification of likely benign for this disease.

NM_006412.4(AGPAT2):c.*230C>T

Gene: AGPAT2 (1-acylglycerol-3-phosphate O-acyltransferase 2; minus strand). Cytogenetic location: 9q34.3.
Variant type: single nucleotide variant.
Coding change: c.*230C>T on transcript NM_006412.4 (MANE Select); 230 bases downstream of the stop codon, C replaced by T.
Molecular consequence: 3 prime UTR variant.
Genome position (GRCh38, 1-based): chr9:136,673,522, G>A on the plus strand (C>T on the coding strand, the complement: AGPAT2 is on the minus strand). VCF-style: chr9-136673522-G-A. GRCh37 (hg19) VCF-style: chr9-139567974-G-A.
Other names: c.*230C>T (NM_001012727.2).
Identifiers: ClinVar variation 365908 (VCV000365908.5), dbSNP rs190437134, ClinGen allele CA10633288.
Genomic context (GRCh38, chr9:136,673,522, plus strand): 5'-GCGGGCCACAGCCGCAAGCCTCATCTTTATCATCCCAGCTCCCAGAGGTGCCGTGGGCGC[G>A]AGTCCCTGCCCTCGAGCCCGGGGAGGGTCCAGCTGAGCCCCCTGCAGGGGACACCAGGGG-3'